The following is an entry in ClinVar:

ClinVar aggregate classification (germline): Uncertain significance (1 of 4 stars; one submission).

Conditions:
FOXC1-related disorder. Also called: FOXC1-related condition.

Submission:

PreventionGenetics, part of Exact Sciences
Classification: Uncertain significance for FOXC1-related condition. Last evaluated: 2026-06-08. Review status: criteria provided, single submitter. Criteria: ACMG Guidelines, 2015. Collection method: clinical testing. Allele origin: germline.
Comment: The FOXC1 c.1504_1506delCAG variant is predicted to result in an in-frame deletion (p.Gln502del). To our knowledge, this variant has not been reported in the literature or in a large population database (gnomAD), indicating this variant is rare. At this time, the clinical significance of this variant is uncertain due to the absence of conclusive functional and genetic evidence.

NM_001453.3(FOXC1):c.1498CAG[2] (p.Gln502del)

Gene: FOXC1 (forkhead box C1; plus strand). Cytogenetic location: 6p25.3.
Variant type: Microsatellite.
Coding change: c.1498CAG[2] on transcript NM_001453.3 (MANE Select); two copies in a row of the 3-base unit CAG starting at c.1498; the reference has three copies in a row; one copy, 3 bases deleted.
Protein change: p.Gln502del; deletes glutamine 502.
Molecular consequence: inframe deletion.
Genome position (GRCh38, 1-based): chr6:1,611,949-1,611,951, CAG deleted; deleting any 3 consecutive bases within chr6:1,611,943-1,611,951 gives the same sequence; the position shown is the placement nearest the transcript's 3' end. VCF-style (leftmost placement, unchanged base first): chr6-1611942-CCAG-C. GRCh37 (hg19) VCF-style: chr6-1612177-CCAG-C.
Other names: short protein forms Q502del.
Identifiers: ClinVar variation 4981986 (VCV004981986.1).